The following is an entry in ClinVar:

ClinVar aggregate classification (germline): Uncertain significance. Review status: criteria provided, multiple submitters, no conflicts (2 of 4 stars). 2 submissions from 2 submitters: Uncertain significance (2). Last evaluated 2025-12-02.

Conditions:
Singleton-Merten syndrome 1 (SGMRT1). Also called: Widened medullary cavities of bone, aortic calcification, abnormal dentition, and muscular weakness; Syndrome of widened medullary cavities of the metacarpals and phalanges, aortic calcification and abnormal dentition. Identifiers: Orphanet 85191, MedGen C4225427, MONDO:0024535, OMIM 182250.
Aicardi-Goutieres syndrome 7 (AGS7). Identifiers: Orphanet 51, MedGen C3888244, MONDO:0014367, OMIM 615846.

Allele frequency attached by ClinVar (database versions not stated): 1000 Genomes Project 0.00020; 1000 Genomes Project 30x 0.00016.
gnomAD v4.1: 73 of 1,614,146 alleles (0.0045%); highest among the groups gnomAD compares: Non-Finnish European, 0.0059%; no homozygotes.

Submissions (2):

Labcorp Genetics (formerly Invitae), Labcorp
Classification: Uncertain significance for Aicardi-Goutieres syndrome 7; Singleton-Merten syndrome 1. Last evaluated: 2025-12-02. Review status: criteria provided, single submitter. Criteria: Invitae Variant Classification Sherloc (09022015). Collection method: clinical testing. Allele origin: germline.
Comment: This sequence change replaces leucine, which is neutral and non-polar, with valine, which is neutral and non-polar, at codon 125 of the IFIH1 protein (p.Leu125Val). This variant is present in population databases (rs139219083, gnomAD 0.005%). This variant has not been reported in the literature in individuals affected with IFIH1-related conditions. ClinVar contains an entry for this variant (Variation ID: 1494981). An algorithm developed to predict the effect of missense changes on protein structure and function outputs the following: PolyPhen-2: "Possibly Damaging". The valine amino acid residue is found in multiple mammalian species, which suggests that this missense change does not adversely affect protein function. In summary, the available evidence is currently insufficient to determine the role of this variant in disease. Therefore, it has been classified as a Variant of Uncertain Significance.

Neurometabolic Diseases Laboratory, Bellvitge Biomedical Research Institute (IDIBELL)
Classification: Uncertain significance for Aicardi-Goutieres syndrome 7. Last evaluated: 2023-04-27. Review status: criteria provided, single submitter. Criteria: ACMG Guidelines, 2015. Collection method: research. Allele origin: germline. Affected: yes.

NM_022168.4(IFIH1):c.373C>G (p.Leu125Val)

Gene: IFIH1 (interferon induced with helicase C domain 1; minus strand). Cytogenetic location: 2q24.2.
Variant type: single nucleotide variant.
Coding change: c.373C>G on transcript NM_022168.4 (MANE Select); coding-DNA position 373, C replaced by G.
Protein change: p.Leu125Val; replaces leucine 125 with valine.
Molecular consequence: missense variant.
Genome position (GRCh38, 1-based): chr2:162,317,935, G>C on the plus strand (C>G on the coding strand, the complement: IFIH1 is on the minus strand). VCF-style: chr2-162317935-G-C. GRCh37 (hg19) VCF-style: chr2-163174445-G-C.
Other names: short protein forms L125V.
Identifiers: ClinVar variation 1494981 (VCV001494981.33), dbSNP rs139219083, ClinGen allele CA1934845.